The following is an entry in ClinVar:

ClinVar aggregate classification (germline): Uncertain significance (1 of 4 stars; one submission).

Conditions:
Nemaline myopathy 7 (NEM7). Also called: Nemaline myopathy 7, autosomal recessive. Identifiers: Orphanet 171436, MedGen C1853154, MONDO:0012538, OMIM 610687.

Submission:

Labcorp Genetics (formerly Invitae), Labcorp
Classification: Uncertain significance for Nemaline myopathy 7. Last evaluated: 2022-10-13. Review status: criteria provided, single submitter. Criteria: Invitae Variant Classification Sherloc (09022015). Collection method: clinical testing. Allele origin: germline.
Comment: This variant is not present in population databases (gnomAD no frequency). In summary, the available evidence is currently insufficient to determine the role of this variant in disease. Therefore, it has been classified as a Variant of Uncertain Significance. Algorithms developed to predict the effect of missense changes on protein structure and function are either unavailable or do not agree on the potential impact of this missense change (SIFT: "Deleterious"; PolyPhen-2: "Benign"; Align-GVGD: "Class C15"). ClinVar contains an entry for this variant (Variation ID: 1469897). This variant has not been reported in the literature in individuals affected with CFL2-related conditions. This sequence change replaces aspartic acid, which is acidic and polar, with asparagine, which is neutral and polar, at codon 43 of the CFL2 protein (p.Asp43Asn).

NM_138638.5(CFL2):c.127G>A (p.Asp43Asn)

Gene: CFL2 (cofilin 2; minus strand). Cytogenetic location: 14q13.1.
Variant type: single nucleotide variant.
Coding change: c.127G>A on transcript NM_138638.5 (MANE Select); coding-DNA position 127, G replaced by A.
Protein change: p.Asp43Asn; replaces aspartic acid 43 with asparagine.
Molecular consequence: missense variant. On other transcripts: non-coding transcript variant (1).
Genome position (GRCh38, 1-based): chr14:34,713,438, C>T on the plus strand (G>A on the coding strand, the complement: CFL2 is on the minus strand). VCF-style: chr14-34713438-C-T. GRCh37 (hg19) VCF-style: chr14-35182644-C-T.
Other names: c.76G>A, p.Asp26Asn (NM_001243645.2); c.127G>A, p.Asp43Asn (NM_021914.8); short protein forms D26N, D43N.
Identifiers: ClinVar variation 1469897 (VCV001469897.6), dbSNP rs2138474697, ClinGen allele CA389421914.